The following is an entry in ClinVar:

ClinVar aggregate classification (germline): Uncertain significance (1 of 4 stars; one submission).

Conditions:
Congenital contractural arachnodactyly (CCA). Also called: BEALS SYNDROME; Beals-Hecht syndrome; Arthrogryposis, distal, type 9. Identifiers: Orphanet 115, MedGen C0220668, MONDO:0007363, OMIM 121050.

Submission:

Labcorp Genetics (formerly Invitae), Labcorp
Classification: Uncertain significance for Congenital contractural arachnodactyly. Last evaluated: 2021-12-30. Review status: criteria provided, single submitter. Criteria: Invitae Variant Classification Sherloc (09022015). Collection method: clinical testing. Allele origin: germline.
Comment: In summary, the available evidence is currently insufficient to determine the role of this variant in disease. Therefore, it has been classified as a Variant of Uncertain Significance. Algorithms developed to predict the effect of sequence changes on RNA splicing suggest that this variant may disrupt the consensus splice site. This variant has not been reported in the literature in individuals affected with FBN2-related conditions. This variant is not present in population databases (gnomAD no frequency). This sequence change affects a donor splice site in intron 15 of the FBN2 gene. It is expected to disrupt RNA splicing. Variants that disrupt the donor or acceptor splice site typically lead to a loss of protein function (PMID: 16199547), however the current clinical and genetic evidence is not sufficient to establish whether loss-of-function variants in FBN2 cause disease.

Literature cited by the submitters: PubMed 16199547.

NM_001999.4(FBN2):c.2095+1G>A

Gene: FBN2 (fibrillin 2; minus strand). Cytogenetic location: 5q23.3.
Variant type: single nucleotide variant.
Coding change: c.2095+1G>A on transcript NM_001999.4 (MANE Select); the canonical splice donor site of the intron after coding-DNA position 2095, G replaced by A.
Molecular consequence: splice donor variant.
Genome position (GRCh38, 1-based): chr5:128,374,627, C>T on the plus strand (G>A on the coding strand, the complement: FBN2 is on the minus strand). VCF-style: chr5-128374627-C-T. GRCh37 (hg19) VCF-style: chr5-127710320-C-T.
Identifiers: ClinVar variation 2067203 (VCV002067203.4), dbSNP rs2479377052, ClinGen allele CA360740125.